The following is an entry in ClinVar:

ClinVar aggregate classification (germline): Likely pathogenic (1 of 4 stars; one submission).

Conditions:
Dilated cardiomyopathy 1G (CMD1G). Identifiers: Orphanet 154, MedGen C1858763, MONDO:0011400, OMIM 604145.
Autosomal recessive limb-girdle muscular dystrophy type 2J (LGMDR10). Also called: Limb-girdle muscular dystrophy, type 2J; MUSCULAR DYSTROPHY, LIMB-GIRDLE, AUTOSOMAL RECESSIVE 10. Identifiers: Orphanet 140922, MedGen C1837342, MONDO:0012127, OMIM 608807.

gnomAD v4.1: 1 of 1,612,474 alleles (0.000062%); highest among the groups gnomAD compares: East Asian, 0.0022%; no homozygotes.

Submission:

Labcorp Genetics (formerly Invitae), Labcorp
Classification: Likely pathogenic for Dilated cardiomyopathy 1G; Autosomal recessive limb-girdle muscular dystrophy type 2J. Last evaluated: 2024-10-01. Review status: criteria provided, single submitter. Criteria: Invitae Variant Classification Sherloc (09022015). Collection method: clinical testing. Allele origin: germline.
Comment: This sequence change creates a premature translational stop signal (p.Trp21287*) in the TTN gene. While this is not anticipated to result in nonsense mediated decay, it is expected to create a truncated TTN protein. This variant is present in population databases (rs747873668, gnomAD 0.006%). This variant has not been reported in the literature in individuals affected with TTN-related conditions. Algorithms developed to predict the effect of sequence changes on RNA splicing suggest that this variant may disrupt the consensus splice site. This variant is located in the A band of TTN (PMID: 25589632). Truncating variants in this region are significantly overrepresented in patients affected with dilated cardiomyopathy (PMID: 25589632). Truncating variants in this region have also been reported in individuals affected with autosomal recessive centronuclear myopathy (PMID: 23975875). In summary, the currently available evidence indicates that the variant is pathogenic, but additional data are needed to prove that conclusively. Therefore, this variant has been classified as Likely Pathogenic.

Literature cited by the submitters: PubMed 25589632; PubMed 23975875.

NM_001267550.2(TTN):c.63860G>A (p.Trp21287Ter)

Genes: TTN (titin; minus strand), TTN-AS1 (TTN antisense RNA 1; plus strand). Cytogenetic location: 2q31.2.
Variant type: single nucleotide variant.
Coding change: c.63860G>A on transcript NM_001267550.2 (MANE Select); coding-DNA position 63860, G replaced by A.
Protein change: p.Trp21287Ter; replaces tryptophan 21287 with a stop codon.
Molecular consequence: nonsense.
Genome position (GRCh38, 1-based): chr2:178,587,351, C>T on the plus strand (G>A on the coding strand, the complement: TTN is on the minus strand). VCF-style: chr2-178587351-C-T. GRCh37 (hg19) VCF-style: chr2-179452078-C-T.
Other names: c.58937G>A, p.Trp19646Ter (NM_001256850.1); c.36665G>A, p.Trp12222Ter (NM_003319.4); c.56156G>A, p.Trp18719Ter (NM_133378.4); c.37040G>A, p.Trp12347Ter (NM_133432.3); c.37241G>A, p.Trp12414Ter (NM_133437.4); short protein forms W12222*, W12347*, W12414*, W18719*, W19646*, W21287*.
Identifiers: ClinVar variation 3759324 (VCV003759324.2).
Genomic context (GRCh38, chr2:178,587,351, plus strand): 5'-TCACGTTTCTCCACGATATAATGTGTCACTTGGCTCCCACCGTCGTTTTCAGGAGGGGCC[C>T]AGGACACATGGCATGATGTTTTAGTGACATCTGAAACTTTTAAATCAGACACAGGCCCAG-3'